The following is an entry in ClinVar:

ClinVar aggregate classification (germline): Benign/Likely benign. Review status: criteria provided, multiple submitters, no conflicts (2 of 4 stars). 6 submissions from 6 submitters: Benign (3); Likely benign (3). Last evaluated 2026-02-01.

Conditions:
Cardiovascular phenotype. Identifiers: MedGen CN230736.
Myofibrillar myopathy 4. Also called: Zaspopathy (type). Identifiers: Orphanet 98912, MedGen C4721886, MONDO:0012277, OMIM 609452.

Allele frequency attached by ClinVar (database versions not stated): TOPMed 0.00004; ESP Exome Variant Server 0.00008; 1000 Genomes Project 30x 0.00062; 1000 Genomes Project 0.00080; ExAC 0.00080; gnomAD 0.00081 and 0.00088; gnomAD exomes 0.00090.
gnomAD v4.1: 694 of 1,614,212 alleles (0.043%); highest among the groups gnomAD compares: Non-Finnish European, 0.0088%; 3 homozygotes.

Submissions (6):

Labcorp Genetics (formerly Invitae), Labcorp
Classification: Benign for Myofibrillar myopathy 4. Last evaluated: 2026-02-01. Review status: criteria provided, single submitter. Criteria: Invitae Variant Classification Sherloc (09022015). Collection method: clinical testing. Allele origin: germline.

Laboratory of Genetics, Children's Clinical University Hospital Latvia
Classification: Likely benign. Last evaluated: 2025-02-16. Review status: criteria provided, single submitter. Criteria: ACMG Guidelines, 2015. Collection method: clinical testing. Allele origin: germline. Affected: yes.

Blueprint Genetics
Classification: Likely benign. Last evaluated: 2024-11-21. Review status: criteria provided, single submitter. Criteria: ACMG Guidelines, 2015. Collection method: clinical testing. Allele origin: germline.

Ambry Genetics
Classification: Benign for Cardiovascular phenotype. Last evaluated: 2022-01-24. Review status: criteria provided, single submitter. Criteria: Ambry Variant Classification Scheme 2023. Collection method: clinical testing. Allele origin: germline.

GeneDx
Classification: Likely benign. Last evaluated: 2016-06-24. Review status: criteria provided, single submitter. Criteria: GeneDx Variant Classification (06012015). Collection method: clinical testing. Allele origin: germline. Affected: yes.
Comment: This variant is considered likely benign or benign based on one or more of the following criteria: it is a conservative change, it occurs at a poorly conserved position in the protein, it is predicted to be benign by multiple in silico algorithms, and/or has population frequency not consistent with disease.

Laboratory for Molecular Medicine, Mass General Brigham Personalized Medicine
Classification: Benign. Last evaluated: 2014-12-31. Review status: criteria provided, single submitter. Criteria: LMM Criteria. Collection method: clinical testing. Allele origin: germline. Observed: 3 variant alleles.
Comment: p.Pro99Ser in exon 3 of LDB3: This variant is not expected to have clinical sign ificance because it has been identified in 1% (65/6686) of European (Finnish) ch romosomes by the Exome Aggregation Consortium (ExAC. org; dbSNP rs201693259). Moreover, Proline (Pro) at position 99 is not conserved in evolution and 1 mammal (cape golden mole) carries a Serine (Ser) at this pos ition, supporting that this change may be tolerated.

Literature cited by the submitters: PubMed 30775854 (cited by Ambry Genetics); PubMed 30847666 (cited by Ambry Genetics).

NM_007078.3(LDB3):c.295C>T (p.Pro99Ser)

Gene: LDB3 (LIM domain binding 3; plus strand). Cytogenetic location: 10q23.2.
Variant type: single nucleotide variant.
Coding change: c.295C>T on transcript NM_007078.3 (MANE Select); coding-DNA position 295, C replaced by T.
Protein change: p.Pro99Ser; replaces proline 99 with serine.
Molecular consequence: missense variant.
Genome position (GRCh38, 1-based): chr10:86,680,131, C>T. VCF-style: chr10-86680131-C-T. GRCh37 (hg19) VCF-style: chr10-88439888-C-T.
Other names: c.295C>T, p.Pro99Ser (NM_001080114.2, NM_001080115.2, NM_001080116.1 and 8 more transcripts); short protein forms P99S.
Identifiers: ClinVar variation 178059 (VCV000178059.17), dbSNP rs201693259, ClinGen allele CA181295.